The following is an entry in ClinVar:

ClinVar aggregate classification (germline): Uncertain significance (1 of 4 stars; one submission).

Conditions:
Developmental and epileptic encephalopathy, 23 (DEE23). Also called: Epileptic encephalopathy, early infantile, 23. Identifiers: Orphanet 411986, MedGen C4014492, MONDO:0014371, OMIM 615859.

Allele frequency attached by ClinVar (database versions not stated): gnomAD exomes below 0.00001; TOPMed below 0.00001; gnomAD 0.00001.
gnomAD v4.1: 4 of 1,613,924 alleles (0.00025%); highest among the groups gnomAD compares: Non-Finnish European, 0.00034%; no homozygotes.

Submission:

Labcorp Genetics (formerly Invitae), Labcorp
Classification: Uncertain significance for Developmental and epileptic encephalopathy, 23. Last evaluated: 2021-09-29. Review status: criteria provided, single submitter. Criteria: Invitae Variant Classification Sherloc (09022015). Collection method: clinical testing. Allele origin: germline.
Comment: This sequence change replaces threonine with isoleucine at codon 1954 of the DOCK7 protein (p.Thr1954Ile). The threonine residue is highly conserved and there is a moderate physicochemical difference between threonine and isoleucine. This variant is not present in population databases (ExAC no frequency). This variant has not been reported in the literature in individuals affected with DOCK7-related conditions. Algorithms developed to predict the effect of missense changes on protein structure and function are either unavailable or do not agree on the potential impact of this missense change (SIFT: "Deleterious"; PolyPhen-2: "Probably Damaging"; Align-GVGD: "Class C15"). In summary, the available evidence is currently insufficient to determine the role of this variant in disease. Therefore, it has been classified as a Variant of Uncertain Significance.

NM_001367561.1(DOCK7):c.5894C>T (p.Thr1965Ile)

Gene: DOCK7 (dedicator of cytokinesis 7; minus strand). Cytogenetic location: 1p31.3.
Variant type: single nucleotide variant.
Coding change: c.5894C>T on transcript NM_001367561.1 (MANE Select); coding-DNA position 5894, C replaced by T.
Protein change: p.Thr1965Ile; replaces threonine 1965 with isoleucine.
Molecular consequence: missense variant.
Genome position (GRCh38, 1-based): chr1:62,475,774, G>A on the plus strand (C>T on the coding strand, the complement: DOCK7 is on the minus strand). VCF-style: chr1-62475774-G-A. GRCh37 (hg19) VCF-style: chr1-62941445-G-A.
Other names: c.5861C>T, p.Thr1954Ile (NM_001271999.2); c.5774C>T, p.Thr1925Ile (NM_001272000.2); c.5768C>T, p.Thr1923Ile (NM_001272001.2); c.5867C>T, p.Thr1956Ile (NM_001330614.2); c.5801C>T, p.Thr1934Ile (NM_033407.4); short protein forms T1923I, T1925I, T1934I, T1956I, T1965I, T1954I.
Identifiers: ClinVar variation 1382911 (VCV001382911.3), dbSNP rs1645952688, ClinGen allele CA340603003.